The following is an entry in ClinVar:

ClinVar aggregate classification (germline): Likely benign. Review status: criteria provided, multiple submitters, no conflicts (2 of 4 stars). 2 submissions from 2 submitters: Likely benign (2). Last evaluated 2026-01-25.

Conditions:
Hereditary spastic paraplegia 11. Also called: Nakamura Osame syndrome; Autosomal recessive hereditary spastic paraplegia, mental impairment, and thin corpus callosum; SPASTIC PARAPLEGIA, AUTOSOMAL RECESSIVE, COMPLICATED, WITH THIN CORPUS CALLOSUM; SPASTIC PARAPLEGIA, AUTOSOMAL RECESSIVE, WITH MENTAL IMPAIRMENT AND THIN CORPUS CALLOSUM; Spastic paraplegia, mental retardation and thin corpus callosum; Spastic Paraplegia 11. Identifiers: Orphanet 2822, MedGen C1858479, MONDO:0011445, OMIM 604360.

Allele frequency attached by ClinVar (database versions not stated): TOPMed below 0.00001; ExAC 0.00002; gnomAD exomes 0.00002.
gnomAD v4.1: 27 of 1,614,054 alleles (0.0017%); highest among the groups gnomAD compares: South Asian, 0.03%; no homozygotes.

Submissions (2):

Labcorp Genetics (formerly Invitae), Labcorp
Classification: Likely benign for Hereditary spastic paraplegia 11. Last evaluated: 2026-01-25. Review status: criteria provided, single submitter. Criteria: Invitae Variant Classification Sherloc (09022015). Collection method: clinical testing. Allele origin: germline.

CeGaT Center for Human Genetics Tuebingen
Classification: Likely benign. Last evaluated: 2025-01-01. Review status: criteria provided, single submitter. Criteria: CeGaT Center For Human Genetics Tuebingen Variant Classification Criteria Version 2. Collection method: clinical testing. Allele origin: germline. Affected: yes. Observed: 1 variant allele.
Comment: SPG11: BP4, BP7

NM_025137.4(SPG11):c.1803C>T (p.Pro601=)

Gene: SPG11 (SPG11 vesicle trafficking associated, spatacsin; minus strand). Cytogenetic location: 15q21.1.
Variant type: single nucleotide variant.
Coding change: c.1803C>T on transcript NM_025137.4 (MANE Select); coding-DNA position 1803, C replaced by T.
Protein change: p.Pro601=; no amino-acid change (proline 601 retained).
Molecular consequence: synonymous variant.
Genome position (GRCh38, 1-based): chr15:44,629,321, G>A on the plus strand (C>T on the coding strand, the complement: SPG11 is on the minus strand). VCF-style: chr15-44629321-G-A. GRCh37 (hg19) VCF-style: chr15-44921519-G-A.
Other names: c.1803C>T, p.Pro601= (NM_001160227.2, NM_001411132.1).
Identifiers: ClinVar variation 2820669 (VCV002820669.16), dbSNP rs772568386, ClinGen allele CA7535434.